The following is an entry in ClinVar:

ClinVar aggregate classification (germline): Uncertain significance (1 of 4 stars; one submission).

Allele frequency attached by ClinVar (database versions not stated): gnomAD exomes below 0.00001; TOPMed below 0.00001.
gnomAD v4.1: 2 of 1,613,412 alleles (0.00012%); highest among the groups gnomAD compares: Non-Finnish European, 0.00017%; no homozygotes.

Submission:

Labcorp Genetics (formerly Invitae), Labcorp
Classification: Uncertain significance. Last evaluated: 2023-09-06. Review status: criteria provided, single submitter. Criteria: Invitae Variant Classification Sherloc (09022015). Collection method: clinical testing. Allele origin: germline.
Comment: In summary, the available evidence is currently insufficient to determine the role of this variant in disease. Therefore, it has been classified as a Variant of Uncertain Significance. An algorithm developed to predict the effect of missense changes on protein structure and function (PolyPhen-2) suggests that this variant is likely to be disruptive. ClinVar contains an entry for this variant (Variation ID: 1463839). This variant has not been reported in the literature in individuals affected with MICAL1-related conditions. This variant is not present in population databases (gnomAD no frequency). This sequence change replaces lysine, which is basic and polar, with glutamine, which is neutral and polar, at codon 1041 of the MICAL1 protein (p.Lys1041Gln).

NM_022765.4(MICAL1):c.3064A>C (p.Lys1022Gln)

Gene: MICAL1 (microtubule associated monooxygenase, calponin and LIM domain containing 1; minus strand). Cytogenetic location: 6q21.
Variant type: single nucleotide variant.
Coding change: c.3064A>C on transcript NM_022765.4 (MANE Select); coding-DNA position 3064, A replaced by C.
Protein change: p.Lys1022Gln; replaces lysine 1022 with glutamine.
Molecular consequence: missense variant.
Genome position (GRCh38, 1-based): chr6:109,444,331, T>G on the plus strand (A>C on the coding strand, the complement: MICAL1 is on the minus strand). VCF-style: chr6-109444331-T-G. GRCh37 (hg19) VCF-style: chr6-109765534-T-G.
Other names: c.2806A>C, p.Lys936Gln (NM_001159291.2); c.3121A>C, p.Lys1041Gln (NM_001286613.2); short protein forms K1041Q, K1022Q, K936Q.
Identifiers: ClinVar variation 1463839 (VCV001463839.8), dbSNP rs1775109025, ClinGen allele CA365219404.